The following is an entry in ClinVar:

ClinVar aggregate classification (germline): Uncertain significance. Review status: criteria provided, multiple submitters, no conflicts (2 of 4 stars). 3 submissions from 3 submitters: Uncertain significance (3). Last evaluated 2025-12-09.

Conditions:
Hereditary cancer-predisposing syndrome. Also called: Neoplastic Syndromes, Hereditary; Tumor predisposition; Hereditary Cancer Syndrome; Hereditary neoplastic syndrome. Identifiers: Orphanet 140162, MedGen C0027672, MeSH D009386, MONDO:0015356.

Allele frequency attached by ClinVar (database versions not stated): ExAC 0.00001.
gnomAD v4.1: 1 of 1,614,186 alleles (0.000062%); highest among the groups gnomAD compares: South Asian, 0.0011%; no homozygotes.

Submissions (3):

Ambry Genetics
Classification: Uncertain significance for Hereditary cancer-predisposing syndrome. Last evaluated: 2025-12-09. Review status: criteria provided, single submitter. Criteria: Ambry Variant Classification Scheme 2023. Collection method: clinical testing. Allele origin: germline.
Comment: The p.T889I variant (also known as c.2666C>T), located in coding exon 23 of the POLE gene, results from a C to T substitution at nucleotide position 2666. The threonine at codon 889 is replaced by isoleucine, an amino acid with similar properties. This amino acid position is highly conserved in available vertebrate species. In addition, the in silico prediction for this alteration is inconclusive. Based on the available evidence, the clinical significance of this variant remains unclear.

Labcorp Genetics (formerly Invitae), Labcorp
Classification: Uncertain significance. Last evaluated: 2024-04-30. Review status: criteria provided, single submitter. Criteria: Invitae Variant Classification Sherloc (09022015). Collection method: clinical testing. Allele origin: germline.
Comment: This sequence change replaces threonine, which is neutral and polar, with isoleucine, which is neutral and non-polar, at codon 889 of the POLE protein (p.Thr889Ile). This variant is present in population databases (rs768534409, gnomAD 0.003%). This variant has not been reported in the literature in individuals affected with POLE-related conditions. ClinVar contains an entry for this variant (Variation ID: 473546). Advanced modeling of protein sequence and biophysical properties (such as structural, functional, and spatial information, amino acid conservation, physicochemical variation, residue mobility, and thermodynamic stability) performed at Invitae indicates that this missense variant is not expected to disrupt POLE protein function with a negative predictive value of 80%. In summary, the available evidence is currently insufficient to determine the role of this variant in disease. Therefore, it has been classified as a Variant of Uncertain Significance.

GeneDx
Classification: Uncertain significance. Last evaluated: 2023-05-26. Review status: criteria provided, single submitter. Criteria: GeneDx Variant Classification Process June 2021. Collection method: clinical testing. Allele origin: germline. Affected: yes.
Comment: Not observed at significant frequency in large population cohorts (gnomAD); In silico analysis supports that this missense variant has a deleterious effect on protein structure/function; Has not been previously published as pathogenic or benign to our knowledge

NM_006231.4(POLE):c.2666C>T (p.Thr889Ile)

Gene: POLE (DNA polymerase epsilon, catalytic subunit; minus strand). Cytogenetic location: 12q24.33.
Variant type: single nucleotide variant.
Coding change: c.2666C>T on transcript NM_006231.4 (MANE Select); coding-DNA position 2666, C replaced by T.
Protein change: p.Thr889Ile; replaces threonine 889 with isoleucine.
Molecular consequence: missense variant.
Genome position (GRCh38, 1-based): chr12:132,664,044, G>A on the plus strand (C>T on the coding strand, the complement: POLE is on the minus strand). VCF-style: chr12-132664044-G-A. GRCh37 (hg19) VCF-style: chr12-133240630-G-A.
Other names: c.2666C>T (NM_006231.2); short protein forms T889I.
Identifiers: ClinVar variation 473546 (VCV000473546.10), dbSNP rs768534409, ClinGen allele CA6893482.
Genomic context (GRCh38, chr12:132,664,044, plus strand): 5'-ACCAGAGGCCCCAGACTCACCTTGACCATGATGTTCAACATGGCGCCTGGGTAGGAGATG[G>A]TCACTTTGGGCTTCTTCACATTGGTCGTCTTGAAGACAAAATTTTCTGGGAAGCTGTTGG-3'
Protein context (NP_006222.2, residues 879-899): KTTNVKKPKV[Thr889Ile]ISYPGAMLNI